The following is an entry in ClinVar:

NM_003128.3(SPTBN1):c.1471G>C (p.Glu491Gln)

Gene: SPTBN1 (spectrin beta, non-erythrocytic 1; plus strand). Cytogenetic location: 2p16.2.
Variant type: single nucleotide variant.
Coding change: c.1471G>C on transcript NM_003128.3 (MANE Select); coding-DNA position 1471, G replaced by C.
Protein change: p.Glu491Gln; replaces glutamic acid 491 with glutamine.
Molecular consequence: missense variant.
Genome position (GRCh38, 1-based): chr2:54,626,061, G>C. VCF-style: chr2-54626061-G-C. GRCh37 (hg19) VCF-style: chr2-54853198-G-C.
Other names: c.1432G>C, p.Glu478Gln (NM_178313.3); short protein forms E478Q, E491Q.
Identifiers: ClinVar variation 1315858 (VCV001315858.3), dbSNP rs2103898844, ClinGen allele CA346872355.

ClinVar aggregate classification (germline): Likely pathogenic (1 of 4 stars; one submission).

Submission:

GeneDx
Classification: Likely pathogenic. Last evaluated: 2023-12-08. Review status: criteria provided, single submitter. Criteria: GeneDx Variant Classification Process June 2021. Collection method: clinical testing. Allele origin: germline. Affected: yes.
Comment: Not observed at significant frequency in large population cohorts (gnomAD); In silico analysis supports that this missense variant has a deleterious effect on protein structure/function; This variant is associated with the following publications: (PMID: 34211179)